The following is an entry in ClinVar:

NM_000179.3(MSH6):c.3770C>T (p.Ser1257Phe)

Gene: MSH6 (mutS homolog 6; plus strand). Cytogenetic location: 2p16.3.
Variant type: single nucleotide variant.
Coding change: c.3770C>T on transcript NM_000179.3 (MANE Select); coding-DNA position 3770, C replaced by T.
Protein change: p.Ser1257Phe; replaces serine 1257 with phenylalanine.
Molecular consequence: missense variant. On other transcripts: non-coding transcript variant (5).
Genome position (GRCh38, 1-based): chr2:47,806,327, C>T. VCF-style: chr2-47806327-C-T. GRCh37 (hg19) VCF-style: chr2-48033466-C-T.
Other names: c.3380C>T, p.Ser1127Phe (NM_001281492.2); c.2864C>T, p.Ser955Phe (NM_001281493.2, NM_001281494.2, NM_001406811.1 and 6 more transcripts); c.3866C>T, p.Ser1289Phe (NM_001406795.1, NM_001406802.1); c.3770C>T, p.Ser1257Phe (NM_001406796.1, NM_001406800.1, NM_001406808.1 and 1 more transcripts); c.3473C>T, p.Ser1158Phe (NM_001406797.1, NM_001406801.1, NM_001406805.1 and 10 more transcripts); c.3596C>T, p.Ser1199Phe (NM_001406798.1); c.3245C>T, p.Ser1082Phe (NM_001406799.1, NM_001406806.1, NM_001406807.1); c.2906C>T, p.Ser969Phe (NM_001406803.1); and 7 more; short protein forms S1199F, S206F, S969F, S1158F, S1201F, S572F, S735F, S1082F.
Identifiers: ClinVar variation 5024897 (VCV005024897.1).

ClinVar aggregate classification (germline): Uncertain significance (1 of 4 stars; one submission).

Conditions:
Hereditary cancer-predisposing syndrome. Also called: Neoplastic Syndromes, Hereditary; Tumor predisposition; Hereditary neoplastic syndrome; Hereditary Cancer Syndrome. Identifiers: Orphanet 140162, MedGen C0027672, MeSH D009386, MONDO:0015356.

gnomAD v4.1: 1 of 1,614,076 alleles (0.000062%); highest among the groups gnomAD compares: Non-Finnish European, 0.000085%; no homozygotes.

Submission:

Ambry Genetics
Classification: Uncertain significance for Hereditary cancer-predisposing syndrome. Last evaluated: 2026-07-06. Review status: criteria provided, single submitter. Criteria: Ambry Variant Classification Scheme 2023. Collection method: clinical testing. Allele origin: germline.
Comment: The p.S1257F variant (also known as c.3770C>T), located in coding exon 8 of the MSH6 gene, results from a C to T substitution at nucleotide position 3770. The serine at codon 1257 is replaced by phenylalanine, an amino acid with highly dissimilar properties. This amino acid position is conserved. In addition, the in silico prediction for this alteration is inconclusive. Based on the available evidence, the clinical significance of this variant remains unclear.